The following is an entry in ClinVar:

NM_015338.6(ASXL1):c.2280G>T (p.Gln760His)

Gene: ASXL1 (ASXL transcriptional regulator 1; plus strand). Cytogenetic location: 20q11.21.
Variant type: single nucleotide variant.
Coding change: c.2280G>T on transcript NM_015338.6 (MANE Select); coding-DNA position 2280, G replaced by T.
Protein change: p.Gln760His; replaces glutamine 760 with histidine.
Molecular consequence: missense variant.
Genome position (GRCh38, 1-based): chr20:32,434,992, G>T. VCF-style: chr20-32434992-G-T. GRCh37 (hg19) VCF-style: chr20-31022795-G-T.
Other names: c.2097G>T, p.Gln699His (NM_001363734.1); short protein forms Q699H, Q760H.
Identifiers: ClinVar variation 4863987 (VCV004863987.1).

ClinVar aggregate classification (germline): Uncertain significance (1 of 4 stars; one submission).

Conditions:
Inborn genetic diseases. Identifiers: MedGen C0950123, MeSH D030342.

Submission:

Ambry Genetics
Classification: Uncertain significance for Inborn genetic diseases. Last evaluated: 2026-03-17. Review status: criteria provided, single submitter. Criteria: Ambry Variant Classification Scheme 2023. Collection method: clinical testing. Allele origin: germline.
Comment: The p.Q760H variant (also known as c.2280G>T), located in coding exon 13 of the ASXL1 gene, results from a G to T substitution at nucleotide position 2280. The glutamine at codon 760 is replaced by histidine, an amino acid with highly similar properties. This amino acid position is conserved. In addition, this alteration is predicted to be tolerated by in silico analysis. Based on the available evidence, the clinical significance of this variant remains unclear.